The following is an entry in ClinVar:

ClinVar aggregate classification (germline): Pathogenic. Review status: criteria provided, multiple submitters, no conflicts (2 of 4 stars). 2 submissions from 2 submitters: Pathogenic (2). Last evaluated 2025-11-15.

Conditions:
Alport syndrome. Also called: Hemorrhagic familial nephritis; Hemorrhagic hereditary nephritis; Congenital hereditary hematuria. Identifiers: Orphanet 63, MedGen C1567741, MONDO:0018965.

Submissions (2):

Myriad Genetics, Inc.
Classification: Pathogenic for Alport syndrome. Last evaluated: 2025-11-15. Review status: criteria provided, single submitter. Criteria: Myriad Autosomal Dominant, Autosomal Recessive and X-Linked Classification Criteria (2023). Collection method: clinical testing. Allele origin: unknown.
Comment: NM_000092.4(COL4A4):c.1897G>T(G633*) is expected to be pathogenic in the context of Alport syndrome, COL4A4-related. This variant is predicted to lead to an abnormal or absent protein product due to the creation of a premature termination codon in COL4A4, a gene where loss-of-function variants are known to be pathogenic. Please note: this variant was assessed in the context of healthy population screening.

CeGaT Center for Human Genetics Tuebingen
Classification: Pathogenic. Last evaluated: 2024-11-01. Review status: criteria provided, single submitter. Criteria: CeGaT Center For Human Genetics Tuebingen Variant Classification Criteria Version 2. Collection method: clinical testing. Allele origin: germline. Affected: yes. Observed: 1 variant allele.
Comment: COL4A4: PVS1, PM2

NM_000092.5(COL4A4):c.1897G>T (p.Gly633Ter)

Gene: COL4A4 (collagen type IV alpha 4 chain; minus strand). Cytogenetic location: 2q36.3.
Variant type: single nucleotide variant.
Coding change: c.1897G>T on transcript NM_000092.5 (MANE Select); coding-DNA position 1897, G replaced by T.
Protein change: p.Gly633Ter; replaces glycine 633 with a stop codon.
Molecular consequence: nonsense.
Genome position (GRCh38, 1-based): chr2:227,077,984, C>A on the plus strand (G>T on the coding strand, the complement: COL4A4 is on the minus strand). VCF-style: chr2-227077984-C-A. GRCh37 (hg19) VCF-style: chr2-227942700-C-A.
Other names: short protein forms G633*.
Identifiers: ClinVar variation 3390117 (VCV003390117.15).